The following is an entry in ClinVar:

ClinVar aggregate classification (germline): Uncertain significance (1 of 4 stars; one submission).

Conditions:
Hypertrophic cardiomyopathy 14. Identifiers: MedGen C2750467, MONDO:0013197, OMIM 613251.

Submission:

Labcorp Genetics (formerly Invitae), Labcorp
Classification: Uncertain significance for Hypertrophic cardiomyopathy 14. Last evaluated: 2024-11-18. Review status: criteria provided, single submitter. Criteria: Invitae Variant Classification Sherloc (09022015). Collection method: clinical testing. Allele origin: germline.
Comment: This sequence change falls in intron 35 of the MYH6 gene. It does not directly change the encoded amino acid sequence of the MYH6 protein. It affects a nucleotide within the consensus splice site. This variant is not present in population databases (gnomAD no frequency). This variant has not been reported in the literature in individuals affected with MYH6-related conditions. Variants that disrupt the consensus splice site are a relatively common cause of aberrant splicing (PMID: 17576681, 9536098). Algorithms developed to predict the effect of sequence changes on RNA splicing suggest that this variant is not likely to affect RNA splicing. In summary, the available evidence is currently insufficient to determine the role of this variant in disease. Therefore, it has been classified as a Variant of Uncertain Significance.

Literature cited by the submitters: PubMed 17576681; PubMed 9536098.

NM_002471.4(MYH6):c.5289+4A>G

Gene: MYH6 (myosin heavy chain 6; minus strand). Cytogenetic location: 14q11.2.
Variant type: single nucleotide variant.
Coding change: c.5289+4A>G on transcript NM_002471.4 (MANE Select); 4 bases into the intron after coding-DNA position 5289, A replaced by G.
Molecular consequence: intron variant.
Genome position (GRCh38, 1-based): chr14:23,384,912, T>C on the plus strand (A>G on the coding strand, the complement: MYH6 is on the minus strand). VCF-style: chr14-23384912-T-C. GRCh37 (hg19) VCF-style: chr14-23854121-T-C.
Identifiers: ClinVar variation 3725506 (VCV003725506.2).